The following is an entry in ClinVar:

NM_018699.4(PRDM5):c.1258C>T (p.Gln420Ter)

Gene: PRDM5 (PR/SET domain 5; minus strand). Cytogenetic location: 4q27.
Variant type: single nucleotide variant.
Coding change: c.1258C>T on transcript NM_018699.4 (MANE Select); coding-DNA position 1258, C replaced by T.
Protein change: p.Gln420Ter; replaces glutamine 420 with a stop codon.
Molecular consequence: nonsense.
Genome position (GRCh38, 1-based): chr4:120,785,022, G>A on the plus strand (C>T on the coding strand, the complement: PRDM5 is on the minus strand). VCF-style: chr4-120785022-G-A. GRCh37 (hg19) VCF-style: chr4-121706177-G-A.
Other names: p.Gln420*; c.1165C>T, p.Gln389Ter (NM_001300823.2, NM_001300824.2, NM_001379106.1); c.1291C>T, p.Gln431Ter (NM_001379104.1); c.1258C>T (NM_018699.3); short protein forms Q389*, Q420*, Q431*.
Identifiers: ClinVar variation 3589784 (VCV003589784.3).

ClinVar aggregate classification (germline): Pathogenic/Likely pathogenic. Review status: criteria provided, multiple submitters, no conflicts (2 of 4 stars). 3 submissions from 3 submitters: Pathogenic (1); Likely pathogenic (2). Last evaluated 2025-03-24.

Conditions:
Brittle cornea syndrome 2 (BCS2). Identifiers: Orphanet 90354, MedGen C3280011, MONDO:0013605, OMIM 614170.

gnomAD v4.1: 24 of 1,607,906 alleles (0.0015%); highest among the groups gnomAD compares: Non-Finnish European, 0.002%; no homozygotes.

Submissions (3):

Labcorp Genetics (formerly Invitae), Labcorp
Classification: Pathogenic. Last evaluated: 2025-03-24. Review status: criteria provided, single submitter. Criteria: Invitae Variant Classification Sherloc (09022015). Collection method: clinical testing. Allele origin: germline.
Comment: This sequence change creates a premature translational stop signal (p.Gln420*) in the PRDM5 gene. It is expected to result in an absent or disrupted protein product. Loss-of-function variants in PRDM5 are known to be pathogenic (PMID: 21664999, 26395458). This variant is present in population databases (rs753303327, gnomAD 0.004%). This variant has not been reported in the literature in individuals affected with PRDM5-related conditions. ClinVar contains an entry for this variant (Variation ID: 3589784). For these reasons, this variant has been classified as Pathogenic.

Mayo Clinic Laboratories, Mayo Clinic
Classification: Likely pathogenic. Last evaluated: 2025-01-27. Review status: criteria provided, single submitter. Criteria: ACMG Guidelines, 2015. Collection method: clinical testing. Allele origin: germline. Observed: 3 variant alleles.
Comment: PM2_supporting, PVS1

Fulgent Genetics
Classification: Likely pathogenic for Brittle cornea syndrome 2. Last evaluated: 2024-05-22. Review status: criteria provided, single submitter. Criteria: ACMG Guidelines, 2015. Collection method: clinical testing. Allele origin: germline.

Literature cited by the submitters: PubMed 21664999 (cited by Labcorp Genetics (formerly Invitae), Labcorp); PubMed 26395458 (cited by Labcorp Genetics (formerly Invitae), Labcorp); PubMed 35586607 (cited by Mayo Clinic Laboratories, Mayo Clinic).